The following is an entry in ClinVar:

ClinVar aggregate classification (germline): Uncertain significance. Review status: criteria provided, multiple submitters, no conflicts (2 of 4 stars). 2 submissions from 2 submitters: Uncertain significance (2). Last evaluated 2022-08-19.

Conditions:
Hereditary cancer-predisposing syndrome. Also called: Neoplastic Syndromes, Hereditary; Hereditary Cancer Syndrome; Tumor predisposition; Hereditary neoplastic syndrome. Identifiers: Orphanet 140162, MedGen C0027672, MeSH D009386, MONDO:0015356.

Allele frequency attached by ClinVar (database versions not stated): gnomAD exomes below 0.00001; TOPMed below 0.00001; gnomAD 0.00001; 1000 Genomes Project 30x 0.00016; 1000 Genomes Project 0.00020.

Submissions (2):

Ambry Genetics
Classification: Uncertain significance for Hereditary cancer-predisposing syndrome. Last evaluated: 2022-08-19. Review status: criteria provided, single submitter. Criteria: Ambry Variant Classification Scheme 2023. Collection method: clinical testing. Allele origin: germline.
Comment: The p.C1060Y variant (also known as c.3179G>A), located in coding exon 11 of the PALB2 gene, results from a G to A substitution at nucleotide position 3179. The cysteine at codon 1060 is replaced by tyrosine, an amino acid with highly dissimilar properties. This amino acid position is highly conserved in available vertebrate species. In addition, the in silico prediction for this alteration is inconclusive. Since supporting evidence is limited at this time, the clinical significance of this alteration remains unclear.

Color Diagnostics, LLC DBA Color Health
Classification: Uncertain significance for Hereditary cancer-predisposing syndrome. Last evaluated: 2019-10-03. Review status: criteria provided, single submitter. Criteria: ACMG Guidelines, 2015. Collection method: clinical testing. Allele origin: germline.
Comment: This missense variant replaces cysteine with tyrosine at codon 1060 of the PALB2 protein. Computational prediction is inconclusive regarding the impact of this variant on protein structure and function (internally defined REVEL score threshold 0.5 < inconclusive < 0.7, PMID: 27666373). Splice site prediction tools suggest that this variant may not impact RNA splicing. To our knowledge, functional studies have not been performed for this variant. This variant has not been reported in individuals affected with hereditary cancer in the literature. This variant has been identified in 1/251222 chromosomes in the general population by the Genome Aggregation Database (gnomAD). The available evidence is insufficient to determine the role of this variant in disease conclusively. Therefore, this variant is classified as a Variant of Uncertain Significance.

NM_024675.4(PALB2):c.3179G>A (p.Cys1060Tyr)

Gene: PALB2 (partner and localizer of BRCA2; minus strand). Cytogenetic location: 16p12.2.
Variant type: single nucleotide variant.
Coding change: c.3179G>A on transcript NM_024675.4 (MANE Select); coding-DNA position 3179, G replaced by A.
Protein change: p.Cys1060Tyr; replaces cysteine 1060 with tyrosine.
Molecular consequence: missense variant.
Genome position (GRCh38, 1-based): chr16:23,614,026, C>T on the plus strand (G>A on the coding strand, the complement: PALB2 is on the minus strand). VCF-style: chr16-23614026-C-T. GRCh37 (hg19) VCF-style: chr16-23625347-C-T.
Other names: short protein forms C1060Y.
Identifiers: ClinVar variation 927505 (VCV000927505.5), dbSNP rs116967702, ClinGen allele CA279530825.